The following is an entry in ClinVar:

ClinVar aggregate classification (germline): Uncertain significance. Review status: criteria provided, multiple submitters, no conflicts (2 of 4 stars). 2 submissions from 2 submitters: Uncertain significance (2). Last evaluated 2024-04-24.

Conditions:
Hereditary cancer-predisposing syndrome. Also called: Neoplastic Syndromes, Hereditary; Hereditary Cancer Syndrome; Tumor predisposition; Hereditary neoplastic syndrome. Identifiers: Orphanet 140162, MedGen C0027672, MeSH D009386, MONDO:0015356.
Ataxia-telangiectasia syndrome (AT). Also called: Ataxia-telangiectasia, complementation group D; AT, COMPLEMENTATION GROUP C; Ataxia-telangiectasia; ATAXIA-TELANGIECTASIA, COMPLEMENTATION GROUP A; ATAXIA-TELANGIECTASIA, FRESNO VARIANT; Ataxia-telangiectasia, complementation group E. Identifiers: Orphanet 100, MedGen C0004135, MONDO:0008840, OMIM 208900.

Submissions (2):

Labcorp Genetics (formerly Invitae), Labcorp
Classification: Uncertain significance for Ataxia-telangiectasia syndrome. Last evaluated: 2024-04-24. Review status: criteria provided, single submitter. Criteria: Invitae Variant Classification Sherloc (09022015). Collection method: clinical testing. Allele origin: germline.
Comment: This sequence change replaces isoleucine, which is neutral and non-polar, with leucine, which is neutral and non-polar, at codon 2683 of the ATM protein (p.Ile2683Leu). This variant is not present in population databases (gnomAD no frequency). This variant has not been reported in the literature in individuals affected with ATM-related conditions. ClinVar contains an entry for this variant (Variation ID: 140886). An algorithm developed to predict the effect of missense changes on protein structure and function (PolyPhen-2) suggests that this variant is likely to be tolerated. In summary, the available evidence is currently insufficient to determine the role of this variant in disease. Therefore, it has been classified as a Variant of Uncertain Significance.

Ambry Genetics
Classification: Uncertain significance for Hereditary cancer-predisposing syndrome. Last evaluated: 2012-11-05. Review status: criteria provided, single submitter. Criteria: Ambry Autosomal Dominant and X-Linked criteria (10/2015). Collection method: clinical testing. Allele origin: germline. Observed: 1 variant allele.
Comment: Co-segregation data for this variant is currently unavailable. This variant has not been detected in conjunction with a pathogenic mutation to date. This amino acid position is not well conserved in available vertebrate species.This alteration is predicted to be benign with a score of 0.106 (sensitivity: 0.91; specificity: 0.69)This alteration is predicted to be tolerated with a score of 0.270 (conservation: 1.49)

NM_000051.4(ATM):c.8047A>T (p.Ile2683Leu)

Genes: ATM (ATM serine/threonine kinase; plus strand), C11orf65 (chromosome 11 open reading frame 65; minus strand). Cytogenetic location: 11q22.3.
Variant type: single nucleotide variant.
Coding change: c.8047A>T on transcript NM_000051.4 (MANE Select); coding-DNA position 8047, A replaced by T.
Protein change: p.Ile2683Leu; replaces isoleucine 2683 with leucine.
Molecular consequence: missense variant. On other transcripts: intron variant (2).
Genome position (GRCh38, 1-based): chr11:108,335,005, A>T. VCF-style: chr11-108335005-A-T. GRCh37 (hg19) VCF-style: chr11-108205732-A-T.
Other names: c.8047A>T, p.Ile2683Leu (NM_001351834.2); c.641-25934T>A (NM_001330368.2); c.*38+215T>A (NM_001351110.2); short protein forms I2683L.
Identifiers: ClinVar variation 140886 (VCV000140886.7), dbSNP rs587781344, ClinGen allele CA163831.